The following is an entry in ClinVar:

ClinVar aggregate classification (germline): Uncertain significance (1 of 4 stars; one submission).

Conditions:
KBG syndrome (KBGS). Also called: ANKRD11-Related KBG Syndrome. Identifiers: Orphanet 2332, MedGen C0220687, MONDO:0007846, OMIM 148050.

Submission:

Labcorp Genetics (formerly Invitae), Labcorp
Classification: Uncertain significance for KBG syndrome. Last evaluated: 2025-11-05. Review status: criteria provided, single submitter. Criteria: Invitae Variant Classification Sherloc (09022015). Collection method: clinical testing. Allele origin: germline.
Comment: This sequence change replaces proline, which is neutral and non-polar, with glutamine, which is neutral and polar, at codon 1315 of the ANKRD11 protein (p.Pro1315Gln). This variant is not present in population databases (gnomAD no frequency). This variant has not been reported in the literature in individuals affected with ANKRD11-related conditions. Invitae Evidence Modeling of protein sequence and biophysical properties (such as structural, functional, and spatial information, amino acid conservation, physicochemical variation, residue mobility, and thermodynamic stability) indicates that this missense variant is not expected to disrupt ANKRD11 protein function with a negative predictive value of 95%. In summary, the available evidence is currently insufficient to determine the role of this variant in disease. Therefore, it has been classified as a Variant of Uncertain Significance.

NM_013275.6(ANKRD11):c.3944C>A (p.Pro1315Gln)

Gene: ANKRD11 (ankyrin repeat domain 11; minus strand). Cytogenetic location: 16q24.3.
Variant type: single nucleotide variant.
Coding change: c.3944C>A on transcript NM_013275.6 (MANE Select); coding-DNA position 3944, C replaced by A.
Protein change: p.Pro1315Gln; replaces proline 1315 with glutamine.
Molecular consequence: missense variant.
Genome position (GRCh38, 1-based): chr16:89,282,598, G>T on the plus strand (C>A on the coding strand, the complement: ANKRD11 is on the minus strand). VCF-style: chr16-89282598-G-T. GRCh37 (hg19) VCF-style: chr16-89349006-G-T.
Other names: c.3944C>A, p.Pro1315Gln (NM_001256182.2, NM_001256183.2); short protein forms P1315Q.
Identifiers: ClinVar variation 4806446 (VCV004806446.1).
Genomic context (GRCh38, chr16:89,282,598, plus strand): 5'-CTCGGCTTGTCGTCTCCAGGTGGCTCCGTGAAAGAGACCTCCAGGAAGGCAGTCAGCCCC[G>T]GCTCCTGCCCTCGGTCCGTGAAGCTGTCAGAGGAGACCTCGCTGATTTTATCGTTGGAGT-3'
Protein context (NP_037407.4, residues 1305-1325): SDSFTDRGQE[Pro1315Gln]GLTAFLEVSF